The following is an entry in ClinVar:

ClinVar aggregate classification (germline): Uncertain significance (1 of 4 stars; one submission).

Conditions:
Muscle AMP deaminase deficiency (MMDD). Also called: Myoadenylate deaminase deficiency, myopathy due to; Adenosine monophosphate deaminase 1 deficiency; AMP deaminase 1 deficiency; Adenosine Monophosphate Deaminase 1; AMPD1 DEFICIENCY; ADENOSINE MONOPHOSPHATE DEAMINASE-1 DEFICIENCY, MYOPATHY DUE TO. Identifiers: Orphanet 45, MedGen C3714933, MONDO:0014220, OMIM 615511.

Allele frequency attached by ClinVar (database versions not stated): gnomAD exomes below 0.00001; ExAC 0.00001; TOPMed 0.00002; gnomAD 0.00003; 1000 Genomes Project 30x 0.00016; 1000 Genomes Project 0.00020.

Submission:

Labcorp Genetics (formerly Invitae), Labcorp
Classification: Uncertain significance for Muscle AMP deaminase deficiency. Last evaluated: 2022-07-30. Review status: criteria provided, single submitter. Criteria: Invitae Variant Classification Sherloc (09022015). Collection method: clinical testing. Allele origin: germline.
Comment: This sequence change affects codon 160 of the AMPD1 mRNA. It is a 'silent' change, meaning that it does not change the encoded amino acid sequence of the AMPD1 protein. This variant also falls at the last nucleotide of exon 4, which is part of the consensus splice site for this exon. This variant is present in population databases (rs543041178, gnomAD 0.01%). This variant has not been reported in the literature in individuals affected with AMPD1-related conditions. Variants that disrupt the consensus splice site are a relatively common cause of aberrant splicing (PMID: 17576681, 9536098). Algorithms developed to predict the effect of sequence changes on RNA splicing suggest that this variant may disrupt the consensus splice site. In summary, the available evidence is currently insufficient to determine the role of this variant in disease. Therefore, it has been classified as a Variant of Uncertain Significance.

Literature cited by the submitters: PubMed 17576681; PubMed 9536098.

NM_000036.3(AMPD1):c.381G>A (p.Gly127=)

Gene: AMPD1 (adenosine monophosphate deaminase 1; minus strand). Cytogenetic location: 1p13.2.
Variant type: single nucleotide variant.
Coding change: c.381G>A on transcript NM_000036.3 (MANE Select); coding-DNA position 381, G replaced by A.
Protein change: p.Gly127=; no amino-acid change (glycine 127 retained).
Molecular consequence: synonymous variant.
Genome position (GRCh38, 1-based): chr1:114,686,745, C>T on the plus strand (G>A on the coding strand, the complement: AMPD1 is on the minus strand). VCF-style: chr1-114686745-C-T. GRCh37 (hg19) VCF-style: chr1-115229366-C-T.
Other names: c.369G>A, p.Gly123= (NM_001172626.2).
Identifiers: ClinVar variation 2155665 (VCV002155665.4), dbSNP rs543041178, ClinGen allele CA1020458.